The following is an entry in ClinVar:

NM_000132.4(F8):c.431A>G (p.Asp144Gly)

Gene: F8 (coagulation factor VIII; minus strand). Cytogenetic location: Xq28.
Variant type: single nucleotide variant.
Coding change: c.431A>G on transcript NM_000132.4 (MANE Select); coding-DNA position 431, A replaced by G.
Protein change: p.Asp144Gly; replaces aspartic acid 144 with glycine.
Molecular consequence: missense variant.
Genome position (GRCh38, 1-based): chrX:154,993,106, T>C on the plus strand (A>G on the coding strand, the complement: F8 is on the minus strand). VCF-style: chrX-154993106-T-C. GRCh37 (hg19) VCF-style: chrX-154221381-T-C.
Other names: short protein forms D144G.
Identifiers: ClinVar variation 3340747 (VCV003340747.1).
Genomic context (GRCh38, chrX:154,993,106, plus strand): 5'-CCATTCTCTTTCAGGACCTGCCAGACATATGTATGGCTTCCACCAGGGAAGACTTTATCA[T>C]CTTCTTTCTCCCTTTGACTGGTCTGATCATCATATTCAGCTCCTATAGCAGGAAGAAATA-3'
Protein context (NP_000123.1, residues 134-154): DDQTSQREKE[Asp144Gly]DKVFPGGSHT

ClinVar aggregate classification (germline): Uncertain significance (1 of 4 stars; one submission).

Submission:

GeneDx
Classification: Uncertain significance. Last evaluated: 2023-12-11. Review status: criteria provided, single submitter. Criteria: GeneDx Variant Classification Process June 2021. Collection method: clinical testing. Allele origin: germline. Affected: yes.
Comment: Not observed in large population cohorts (gnomAD); In silico analysis supports that this missense variant has a deleterious effect on protein structure/function; Has not been previously published as pathogenic or benign to our knowledge